The following is an entry in ClinVar:

NM_004984.4(KIF5A):c.129G>A (p.Gly43=)

Gene: KIF5A (kinesin family member 5A; plus strand). Cytogenetic location: 12q13.3.
Variant type: single nucleotide variant.
Coding change: c.129G>A on transcript NM_004984.4 (MANE Select); coding-DNA position 129, G replaced by A.
Protein change: p.Gly43=; no amino-acid change (glycine 43 retained).
Molecular consequence: synonymous variant.
Genome position (GRCh38, 1-based): chr12:57,550,400, G>A. VCF-style: chr12-57550400-G-A. GRCh37 (hg19) VCF-style: chr12-57944183-G-A.
Other names: c.129G>A, p.Gly43= (NM_001354705.2).
Identifiers: ClinVar variation 2020149 (VCV002020149.4), dbSNP rs1468958432, ClinGen allele CA480264158.

ClinVar aggregate classification (germline): Uncertain significance (1 of 4 stars; one submission).

Conditions:
Spastic paraplegia. Identifiers: MedGen C0037772, HP:0001258.

Submission:

Labcorp Genetics (formerly Invitae), Labcorp
Classification: Uncertain significance for Spastic paraplegia. Last evaluated: 2024-02-17. Review status: criteria provided, single submitter. Criteria: Invitae Variant Classification Sherloc (09022015). Collection method: clinical testing. Allele origin: germline.
Comment: This sequence change affects codon 43 of the KIF5A mRNA. It is a 'silent' change, meaning that it does not change the encoded amino acid sequence of the KIF5A protein. This variant also falls at the last nucleotide of exon 1, which is part of the consensus splice site for this exon. This variant is not present in population databases (gnomAD no frequency). This variant has not been reported in the literature in individuals affected with KIF5A-related conditions. ClinVar contains an entry for this variant (Variation ID: 2020149). Variants that disrupt the consensus splice site are a relatively common cause of aberrant splicing (PMID: 17576681, 9536098). Algorithms developed to predict the effect of sequence changes on RNA splicing suggest that this variant is not likely to affect RNA splicing. In summary, the available evidence is currently insufficient to determine the role of this variant in disease. Therefore, it has been classified as a Variant of Uncertain Significance.

Literature cited by the submitters: PubMed 17576681; PubMed 9536098.